The following is an entry in ClinVar:

NM_001130438.3(SPTAN1):c.5546G>A (p.Arg1849Gln)

Gene: SPTAN1 (spectrin alpha, non-erythrocytic 1; plus strand). Cytogenetic location: 9q34.11.
Variant type: single nucleotide variant.
Coding change: c.5546G>A on transcript NM_001130438.3 (MANE Select); coding-DNA position 5546, G replaced by A.
Protein change: p.Arg1849Gln; replaces arginine 1849 with glutamine.
Molecular consequence: missense variant.
Genome position (GRCh38, 1-based): chr9:128,618,054, G>A. VCF-style: chr9-128618054-G-A. GRCh37 (hg19) VCF-style: chr9-131380333-G-A.
Other names: c.5471G>A, p.Arg1824Gln (NM_001195532.2); c.5546G>A, p.Arg1849Gln (NM_001363759.2, NM_001375310.1, NM_001375311.2 and 1 more transcripts); c.5486G>A, p.Arg1829Gln (NM_001363765.2, NM_001375314.2); c.5582G>A, p.Arg1861Gln (NM_001375312.2, NM_001375318.1); c.5531G>A, p.Arg1844Gln (NM_003127.4); short protein forms R1829Q, R1849Q, R1824Q, R1844Q, R1861Q.
Identifiers: ClinVar variation 861437 (VCV000861437.8), dbSNP rs760298084, ClinGen allele CA5265497.

ClinVar aggregate classification (germline): Uncertain significance (1 of 4 stars; one submission).

Conditions:
Early-infantile DEE. Also called: Ohtahara syndrome; Early infantile epileptic encephalopathy with suppression bursts; Early infantile epileptic encephalopathy. Identifiers: Orphanet 1934, MedGen C0393706, MONDO:0800491.

Allele frequency attached by ClinVar (database versions not stated): gnomAD 0.00001; gnomAD exomes 0.00001 and 0.00005; TOPMed 0.00003; ExAC 0.00007.
gnomAD v4.1: 23 of 1,613,960 alleles (0.0014%); highest among the groups gnomAD compares: Admixed American, 0.015%; no homozygotes.

Submission:

Labcorp Genetics (formerly Invitae), Labcorp
Classification: Uncertain significance for Early-infantile DEE. Last evaluated: 2025-04-18. Review status: criteria provided, single submitter. Criteria: Invitae Variant Classification Sherloc (09022015). Collection method: clinical testing. Allele origin: germline.
Comment: This sequence change replaces arginine, which is basic and polar, with glutamine, which is neutral and polar, at codon 1849 of the SPTAN1 protein (p.Arg1849Gln). This variant is present in population databases (rs760298084, gnomAD 0.02%). This variant has not been reported in the literature in individuals affected with SPTAN1-related conditions. ClinVar contains an entry for this variant (Variation ID: 861437). Invitae Evidence Modeling of protein sequence and biophysical properties (such as structural, functional, and spatial information, amino acid conservation, physicochemical variation, residue mobility, and thermodynamic stability) has been performed for this missense variant. However, the output from this modeling did not meet the statistical confidence thresholds required to predict the impact of this variant on SPTAN1 protein function. In summary, the available evidence is currently insufficient to determine the role of this variant in disease. Therefore, it has been classified as a Variant of Uncertain Significance.